The following is an entry in ClinVar:

NM_000016.6(ACADM):c.434A>G (p.Tyr145Cys)

Gene: ACADM (acyl-CoA dehydrogenase medium chain; plus strand). Cytogenetic location: 1p31.1.
Variant type: single nucleotide variant.
Coding change: c.434A>G on transcript NM_000016.6 (MANE Select); coding-DNA position 434, A replaced by G.
Protein change: p.Tyr145Cys; replaces tyrosine 145 with cysteine.
Molecular consequence: missense variant. On other transcripts: intron variant (1).
Genome position (GRCh38, 1-based): chr1:75,734,837, A>G. VCF-style: chr1-75734837-A-G. GRCh37 (hg19) VCF-style: chr1-76200522-A-G.
Other names: c.446A>G, p.Tyr149Cys (NM_001127328.3); c.326A>G, p.Tyr109Cys (NM_001286042.2); c.533A>G, p.Tyr178Cys (NM_001286043.2); c.-100+1915A>G (NM_001286044.2); short protein forms Y109C, Y145C, Y149C, Y178C.
Identifiers: ClinVar variation 3342119 (VCV003342119.16).

ClinVar aggregate classification (germline): Likely pathogenic (1 of 4 stars; one submission).

Submission:

CeGaT Center for Human Genetics Tuebingen
Classification: Likely pathogenic. Last evaluated: 2024-08-01. Review status: criteria provided, single submitter. Criteria: CeGaT Center For Human Genetics Tuebingen Variant Classification Criteria Version 2. Collection method: clinical testing. Allele origin: germline. Affected: yes. Observed: 1 variant allele.
Comment: ACADM: PM2, PP4:Moderate, PM3:Supporting, PP3